The following is an entry in ClinVar:

ClinVar aggregate classification (germline): Uncertain significance (1 of 4 stars; one submission).

Submission:

Labcorp Genetics (formerly Invitae), Labcorp
Classification: Uncertain significance. Last evaluated: 2022-11-14. Review status: criteria provided, single submitter. Criteria: Invitae Variant Classification Sherloc (09022015). Collection method: clinical testing. Allele origin: germline.
Comment: In summary, the available evidence is currently insufficient to determine the role of this variant in disease. Therefore, it has been classified as a Variant of Uncertain Significance. Algorithms developed to predict the effect of missense changes on protein structure and function output the following: SIFT: "Deleterious"; PolyPhen-2: "Possibly Damaging"; Align-GVGD: "Class C0". The histidine amino acid residue is found in multiple mammalian species, which suggests that this missense change does not adversely affect protein function. This variant has not been reported in the literature in individuals affected with PCNT-related conditions. This variant is not present in population databases (gnomAD no frequency). This sequence change replaces glutamine, which is neutral and polar, with histidine, which is basic and polar, at codon 1435 of the PCNT protein (p.Gln1435His).

NM_006031.6(PCNT):c.4305G>C (p.Gln1435His)

Gene: PCNT (pericentrin; plus strand). Cytogenetic location: 21q22.3.
Variant type: single nucleotide variant.
Coding change: c.4305G>C on transcript NM_006031.6 (MANE Select); coding-DNA position 4305, G replaced by C.
Protein change: p.Gln1435His; replaces glutamine 1435 with histidine.
Molecular consequence: missense variant.
Genome position (GRCh38, 1-based): chr21:46,397,353, G>C. VCF-style: chr21-46397353-G-C. GRCh37 (hg19) VCF-style: chr21-47817267-G-C.
Other names: c.3951G>C, p.Gln1317His (NM_001315529.2); short protein forms Q1317H, Q1435H.
Identifiers: ClinVar variation 1720712 (VCV001720712.5), dbSNP rs971370797, ClinGen allele CA410578666.